The following is an entry in ClinVar:

ClinVar aggregate classification (germline): Uncertain significance (1 of 4 stars; one submission).

Submission:

Labcorp Genetics (formerly Invitae), Labcorp
Classification: Uncertain significance. Last evaluated: 2021-12-16. Review status: criteria provided, single submitter. Criteria: Invitae Variant Classification Sherloc (09022015). Collection method: clinical testing. Allele origin: germline.
Comment: This sequence change replaces proline, which is neutral and non-polar, with serine, which is neutral and polar, at codon 2146 of the CEP250 protein (p.Pro2146Ser). In summary, the available evidence is currently insufficient to determine the role of this variant in disease. Therefore, it has been classified as a Variant of Uncertain Significance. Algorithms developed to predict the effect of missense changes on protein structure and function are either unavailable or do not agree on the potential impact of this missense change (SIFT: "Not Available"; PolyPhen-2: "Benign"; Align-GVGD: "Not Available"). This variant has not been reported in the literature in individuals affected with CEP250-related conditions. This variant is not present in population databases (gnomAD no frequency).

NM_007186.6(CEP250):c.6436C>T (p.Pro2146Ser)

Gene: CEP250 (centrosomal protein 250; plus strand). Cytogenetic location: 20q11.22.
Variant type: single nucleotide variant.
Coding change: c.6436C>T on transcript NM_007186.6 (MANE Select); coding-DNA position 6436, C replaced by T.
Protein change: p.Pro2146Ser; replaces proline 2146 with serine.
Molecular consequence: missense variant.
Genome position (GRCh38, 1-based): chr20:35,504,805, C>T. VCF-style: chr20-35504805-C-T. GRCh37 (hg19) VCF-style: chr20-34092633-C-T.
Other names: c.4540C>T, p.Pro1514Ser (NM_001318219.1); short protein forms P1514S, P2146S.
Identifiers: ClinVar variation 2044371 (VCV002044371.4), dbSNP rs2064137268, ClinGen allele CA408757205.
Genomic context (GRCh38, chr20:35,504,805, plus strand): 5'-CCCCACAGCCACAAAACCTCCCCAATGGAGGAACAATCTCTAAAACTTGATTCTTTAGAG[C>T]CCAGGCTGCAGCGGGAGCTGGAGCGGCTACAGGCAGCCCTGAGACAGACAGAAGCCAGGG-3'
Protein context (NP_009117.2, residues 2136-2156): EQSLKLDSLE[Pro2146Ser]RLQRELERLQ